The following is an entry in ClinVar:

NM_001042631.3(SDHAF1):c.153G>C (p.Glu51Asp)

Gene: SDHAF1 (succinate dehydrogenase complex assembly factor 1; plus strand). Cytogenetic location: 19q13.12.
Variant type: single nucleotide variant.
Coding change: c.153G>C on transcript NM_001042631.3 (MANE Select); coding-DNA position 153, G replaced by C.
Protein change: p.Glu51Asp; replaces glutamic acid 51 with aspartic acid.
Molecular consequence: missense variant.
Genome position (GRCh38, 1-based): chr19:35,995,427, G>C. VCF-style: chr19-35995427-G-C. GRCh37 (hg19) VCF-style: chr19-36486329-G-C.
Other names: short protein forms E51D.
Identifiers: ClinVar variation 3951363 (VCV003951363.1).

ClinVar aggregate classification (germline): Uncertain significance (1 of 4 stars; one submission).

Conditions:
Inborn genetic diseases. Identifiers: MedGen C0950123, MeSH D030342.

Submission:

Ambry Genetics
Classification: Uncertain significance for Inborn genetic diseases. Last evaluated: 2025-04-05. Review status: criteria provided, single submitter. Criteria: Ambry Variant Classification Scheme 2023. Collection method: clinical testing. Allele origin: germline.
Comment: The p.E51D variant (also known as c.153G>C), located in coding exon 1 of the SDHAF1 gene, results from a G to C substitution at nucleotide position 153. The glutamic acid at codon 51 is replaced by aspartic acid, an amino acid with highly similar properties. This amino acid position is conserved. In addition, this alteration is predicted to be deleterious by in silico analysis. Based on the available evidence, the clinical significance of this variant remains unclear.